The following is an entry in ClinVar:

ClinVar aggregate classification (germline): Uncertain significance (1 of 4 stars; one submission).

Conditions:
Epileptic encephalopathy. Identifiers: MedGen C0543888, HP:0200134.

Allele frequency attached by ClinVar (database versions not stated): gnomAD exomes below 0.00001 and 0.00001; ExAC 0.00001; gnomAD 0.00002; TOPMed 0.00004; ESP Exome Variant Server 0.00023.
gnomAD v4.1: 5 of 1,605,846 alleles (0.00031%); highest among the groups gnomAD compares: African/African-American, 0.0067%; no homozygotes.

Submission:

Labcorp Genetics (formerly Invitae), Labcorp
Classification: Uncertain significance for Epileptic encephalopathy. Last evaluated: 2024-06-17. Review status: criteria provided, single submitter. Criteria: Invitae Variant Classification Sherloc (09022015). Collection method: clinical testing. Allele origin: germline.
Comment: This sequence change replaces alanine, which is neutral and non-polar, with valine, which is neutral and non-polar, at codon 415 of the FASN protein (p.Ala415Val). This variant is present in population databases (rs373067136, gnomAD 0.02%). This variant has not been reported in the literature in individuals affected with FASN-related conditions. ClinVar contains an entry for this variant (Variation ID: 652237). An algorithm developed to predict the effect of missense changes on protein structure and function (PolyPhen-2) suggests that this variant is likely to be tolerated. In summary, the available evidence is currently insufficient to determine the role of this variant in disease. Therefore, it has been classified as a Variant of Uncertain Significance.

NM_004104.5(FASN):c.1244C>T (p.Ala415Val)

Gene: FASN (fatty acid synthase; minus strand). Cytogenetic location: 17q25.3.
Variant type: single nucleotide variant.
Coding change: c.1244C>T on transcript NM_004104.5 (MANE Select); coding-DNA position 1244, C replaced by T.
Protein change: p.Ala415Val; replaces alanine 415 with valine.
Molecular consequence: missense variant.
Genome position (GRCh38, 1-based): chr17:82,091,470, G>A on the plus strand (C>T on the coding strand, the complement: FASN is on the minus strand). VCF-style: chr17-82091470-G-A. GRCh37 (hg19) VCF-style: chr17-80049346-G-A.
Other names: short protein forms A415V.
Identifiers: ClinVar variation 652237 (VCV000652237.8), dbSNP rs373067136, ClinGen allele CA8853214.